The following is an entry in ClinVar:

NM_004531.5(MOCS2):c.64C>G (p.Pro22Ala)

Gene: MOCS2 (molybdenum cofactor synthesis 2; minus strand). Cytogenetic location: 5q11.2.
Variant type: single nucleotide variant.
Coding change: c.64C>G on transcript NM_004531.5 (MANE Select); coding-DNA position 64, C replaced by G.
Protein change: p.Pro22Ala; replaces proline 22 with alanine.
Molecular consequence: missense variant.
Genome position (GRCh38, 1-based): chr5:53,107,111, G>C on the plus strand (C>G on the coding strand, the complement: MOCS2 is on the minus strand). VCF-style: chr5-53107111-G-C. GRCh37 (hg19) VCF-style: chr5-52402941-G-C.
Other names: c.251C>G (NM_176806.2); c.251C>G, p.Pro84Arg (NM_176806.4); short protein forms P22A, P84R.
Identifiers: ClinVar variation 1051893 (VCV001051893.9), dbSNP rs995972455, ClinGen allele CA359693695.

ClinVar aggregate classification (germline): Uncertain significance. Review status: criteria provided, multiple submitters, no conflicts (2 of 4 stars). 3 submissions from 3 submitters: Uncertain significance (3). Last evaluated 2025-08-26.

Conditions:
Sulfite oxidase deficiency due to molybdenum cofactor deficiency type B1 (MOCODB1). Also called: MOLYBDENUM COFACTOR DEFICIENCY, TYPE B1; Molybdenum cofactor deficiency, complementation group B; Molybdenum cofactor deficiency B; Sulfite oxidase deficiency due to molybdenum cofactor deficiency type B. Identifiers: Orphanet 308393, Orphanet 833, MedGen C6065887, MONDO:0009644, OMIM 252160.
Inborn genetic diseases. Identifiers: MedGen C0950123, MeSH D030342.

Submissions (3):

Ambry Genetics
Classification: Uncertain significance for Inborn genetic diseases. Last evaluated: 2025-08-26. Review status: criteria provided, single submitter. Criteria: Ambry Variant Classification Scheme 2023. Collection method: clinical testing. Allele origin: germline.

Fulgent Genetics
Classification: Uncertain significance for Sulfite oxidase deficiency due to molybdenum cofactor deficiency type B1. Last evaluated: 2024-04-15. Review status: criteria provided, single submitter. Criteria: ACMG Guidelines, 2015. Collection method: clinical testing. Allele origin: germline.

Labcorp Genetics (formerly Invitae), Labcorp
Classification: Uncertain significance. Last evaluated: 2024-02-17. Review status: criteria provided, single submitter. Criteria: Invitae Variant Classification Sherloc (09022015). Collection method: clinical testing. Allele origin: germline.
Comment: The MOCS2 gene encodes two different proteins which are translated from alternative transcripts, MOCS2A and MOCS2B, that have different open reading frames. This variant occurs in MOCS2A, and also corresponds to c.64C>G (p.Pro22Ala) in MOCS2B. This sequence change replaces proline with arginine at codon 84 of the MOCS2A protein (p.Pro84Arg). The proline residue is highly conserved and there is a moderate physicochemical difference between proline and arginine. This sequence change replaces proline with alanine at codon 22 of the MOCS2B protein (p.Pro22Ala). The proline residue is weakly conserved and there is a small physicochemical difference between proline and alanine. This variant is not present in population databases (gnomAD no frequency). This variant has not been reported in the literature in individuals affected with MOCS2A-related conditions. ClinVar contains an entry for this variant (Variation ID: 1051893). Algorithms developed to predict the effect of missense changes on protein structure and function (SIFT, PolyPhen-2, Align-GVGD) all suggest that p.Pro84Arg in MOCS2A is likely to be disruptive. These same algorithms all suggest that p.Pro22Ala in MOCS2B is likely to be tolerated. These predictions have not been confirmed by published functional studies and their clinical significance is uncertain. In summary, the available evidence is currently insufficient to determine the role of this variant in disease. Therefore, it has been classified as a Variant of Uncertain Significance. Please note, this variant is also classified as a Variant of Uncertain Significance in MOCS2B.